The following is an entry in ClinVar:

ClinVar aggregate classification (germline): Uncertain significance. Review status: criteria provided, multiple submitters, no conflicts (2 of 4 stars). 2 submissions from 2 submitters: Uncertain significance (2). Last evaluated 2026-07-01.

Conditions:
Glycogen storage disease, type II (IOPD). Also called: CARDIOMEGALIA GLYCOGENICA DIFFUSA; GLYCOGENOSIS, GENERALIZED, CARDIAC FORM; GSD II; Glycogen storage disease type 2; Acid maltase deficiency disease; Aglucosidase alfa. Identifiers: Orphanet 365, MedGen C0017921, MONDO:0009290, OMIM 232300.

gnomAD v4.1: 10 of 1,610,980 alleles (0.00062%); highest among the groups gnomAD compares: Middle Eastern, 0.017%; no homozygotes.

Submissions (2):

Genomenon, Inc
Classification: Uncertain significance for Glycogen storage disease, type II. Last evaluated: 2026-07-01. Review status: criteria provided, single submitter. Criteria: Genomenon Sequence Variant Interpretation Standards - Updated. Collection method: curation. Allele origin: germline. Affected: yes.
Comment: GAA p.Met671Val (c.2011A>G) is a missense variant that changes the amino acid at codon 671 from Methionine to Valine. This variant has been observed in at least one proband with a GAA-related disorder (PMID:40225932). It is absent or not present at a significant frequency in gnomAD. In silico models predict that this variant is possibly or probably damaging. In conclusion, we classify GAA p.Met671Val (c.2011A>G) as a variant of uncertain significance.

GeneDx
Classification: Uncertain significance. Last evaluated: 2024-12-13. Review status: criteria provided, single submitter. Criteria: GeneDx Variant Classification Process June 2021. Collection method: clinical testing. Allele origin: germline. Affected: yes.
Comment: Reported in a patient with below average levels of GAA enzymatic activity and symptoms of Pompe disease, however segregation information was not provided (PMID: Balendran-Braun2024[article]); Not observed at significant frequency in large population cohorts (gnomAD); In silico analysis indicates that this missense variant does not alter protein structure/function; This variant is associated with the following publications: (PMID: Balendran-Braun2024[article])

Literature cited by the submitters: PubMed 40225932 (cited by Genomenon, Inc).

NM_000152.5(GAA):c.2011A>G (p.Met671Val)

Gene: GAA (alpha glucosidase; plus strand). Cytogenetic location: 17q25.3.
Variant type: single nucleotide variant.
Coding change: c.2011A>G on transcript NM_000152.5 (MANE Select); coding-DNA position 2011, A replaced by G.
Protein change: p.Met671Val; replaces methionine 671 with valine.
Molecular consequence: missense variant.
Genome position (GRCh38, 1-based): chr17:80,112,998, A>G. VCF-style: chr17-80112998-A-G. GRCh37 (hg19) VCF-style: chr17-78086797-A-G.
Other names: c.2011A>G, p.Met671Val (NM_001079803.3, NM_001079804.3, NM_001406741.1 and 1 more transcripts); short protein forms M671V.
Identifiers: ClinVar variation 3903189 (VCV003903189.2).